The following is an entry in ClinVar:

ClinVar aggregate classification (germline): Uncertain significance. Review status: criteria provided, multiple submitters, no conflicts (2 of 4 stars). 3 submissions from 3 submitters: Uncertain significance (3). Last evaluated 2025-11-18.

Conditions:
Cardiovascular phenotype. Identifiers: MedGen CN230736.
Hypertrophic cardiomyopathy 26. Also called: Cardiomyopathy, familial hypertrophic, 26. Identifiers: Orphanet 75249, MedGen C4310749, MONDO:0014883, OMIM 617047.
Myofibrillar myopathy 5. Also called: Filaminopathy (type); FILAMINOPATHY, AUTOSOMAL DOMINANT. Identifiers: Orphanet 171445, MedGen C1836050, MONDO:0012289, OMIM 609524.
Distal myopathy with posterior leg and anterior hand involvement. Also called: WILLIAMS DISTAL MYOPATHY. Identifiers: Orphanet 63273, MedGen C3279722, MONDO:0013550, OMIM 614065.

Allele frequency attached by ClinVar (database versions not stated): TOPMed below 0.00001.
gnomAD v4.1: 11 of 1,613,134 alleles (0.00068%); highest among the groups gnomAD compares: East Asian, 0.0045%; no homozygotes.

Submissions (3):

Labcorp Genetics (formerly Invitae), Labcorp
Classification: Uncertain significance for Distal myopathy with posterior leg and anterior hand involvement; Myofibrillar myopathy 5; Hypertrophic cardiomyopathy 26. Last evaluated: 2025-11-18. Review status: criteria provided, single submitter. Criteria: Invitae Variant Classification Sherloc (09022015). Collection method: clinical testing. Allele origin: germline.
Comment: This sequence change replaces arginine, which is basic and polar, with cysteine, which is neutral and slightly polar, at codon 2067 of the FLNC protein (p.Arg2067Cys). This variant is present in population databases (rs754160175, gnomAD 0.0009%). This variant has not been reported in the literature in individuals affected with FLNC-related conditions. ClinVar contains an entry for this variant (Variation ID: 451679). Invitae Evidence Modeling of protein sequence and biophysical properties (such as structural, functional, and spatial information, amino acid conservation, physicochemical variation, residue mobility, and thermodynamic stability) has been performed for this missense variant. However, the output from this modeling did not meet the statistical confidence thresholds required to predict the impact of this variant on FLNC protein function. In summary, the available evidence is currently insufficient to determine the role of this variant in disease. Therefore, it has been classified as a Variant of Uncertain Significance.

Ambry Genetics
Classification: Uncertain significance for Cardiovascular phenotype. Last evaluated: 2021-07-22. Review status: criteria provided, single submitter. Criteria: Ambry Variant Classification Scheme 2023. Collection method: clinical testing. Allele origin: germline.
Comment: The p.R2067C variant (also known as c.6199C>T), located in coding exon 37 of the FLNC gene, results from a C to T substitution at nucleotide position 6199. The arginine at codon 2067 is replaced by cysteine, an amino acid with highly dissimilar properties. This amino acid position is conserved. In addition, this alteration is predicted to be deleterious by in silico analysis. Since supporting evidence is limited at this time, the clinical significance of this alteration remains unclear.

GeneDx
Classification: Uncertain significance. Last evaluated: 2017-08-30. Review status: criteria provided, single submitter. Criteria: GeneDx Variant Classification (06012015). Collection method: clinical testing. Allele origin: germline. Affected: yes.
Comment: The R2067C variant has not been published as a pathogenic variant, nor has it been reported as a benign variant to our knowledge. The R2067C variant is not observed at a significant frequency in large population cohorts (Lek et al., 2016; 1000 Genomes Consortium et al., 2015; Exome Variant Server). This variant is a non-conservative amino acid substitution, which is likely to impact secondary protein structure as these residues differ in polarity, charge, size and/or other properties. This substitution occurs at a position that is conserved across species. In silico analysis predicts this variant is probably damaging to the protein structure/function.

NM_001458.5(FLNC):c.6199C>T (p.Arg2067Cys)

Genes: FLNC (filamin C; plus strand), FLNC-AS1 (FLNC antisense RNA 1; minus strand). Cytogenetic location: 7q32.1.
Variant type: single nucleotide variant.
Coding change: c.6199C>T on transcript NM_001458.5 (MANE Select); coding-DNA position 6199, C replaced by T.
Protein change: p.Arg2067Cys; replaces arginine 2067 with cysteine.
Molecular consequence: missense variant.
Genome position (GRCh38, 1-based): chr7:128,853,022, C>T. VCF-style: chr7-128853022-C-T. GRCh37 (hg19) VCF-style: chr7-128493076-C-T.
Other names: c.6100C>T, p.Arg2034Cys (NM_001127487.2); short protein forms R2067C, R2034C.
Identifiers: ClinVar variation 451679 (VCV000451679.7), dbSNP rs754160175, ClinGen allele CA4475903.